The following is an entry in ClinVar:

ClinVar aggregate classification (germline): Uncertain significance (1 of 4 stars; one submission).

Allele frequency attached by ClinVar (database versions not stated): gnomAD 0.00001.
gnomAD v4.1: 1 of 1,612,226 alleles (0.000062%); highest among the groups gnomAD compares: African/African-American, 0.0013%; no homozygotes.

Submission:

Labcorp Genetics (formerly Invitae), Labcorp
Classification: Uncertain significance. Last evaluated: 2021-08-30. Review status: criteria provided, single submitter. Criteria: Invitae Variant Classification Sherloc (09022015). Collection method: clinical testing. Allele origin: germline.
Comment: Experimental studies and prediction algorithms are not available or were not evaluated, and the functional significance of this variant is currently unknown. In summary, the available evidence is currently insufficient to determine the role of this variant in disease. Therefore, it has been classified as a Variant of Uncertain Significance. This sequence change replaces isoleucine with valine at codon 301 of the EXOC6B protein (p.Ile301Val). The isoleucine residue is moderately conserved and there is a small physicochemical difference between isoleucine and valine. This variant is not present in population databases (ExAC no frequency). This variant has not been reported in the literature in individuals affected with EXOC6B-related conditions.

NM_015189.3(EXOC6B):c.901A>G (p.Ile301Val)

Gene: EXOC6B (exocyst complex component 6B; minus strand). Cytogenetic location: 2p13.2.
Variant type: single nucleotide variant.
Coding change: c.901A>G on transcript NM_015189.3 (MANE Select); coding-DNA position 901, A replaced by G.
Protein change: p.Ile301Val; replaces isoleucine 301 with valine.
Molecular consequence: missense variant. On other transcripts: non-coding transcript variant (2).
Genome position (GRCh38, 1-based): chr2:72,559,467, T>C on the plus strand (A>G on the coding strand, the complement: EXOC6B is on the minus strand). VCF-style: chr2-72559467-T-C. GRCh37 (hg19) VCF-style: chr2-72786596-T-C.
Other names: c.901A>G, p.Ile301Val (NM_001321729.2, NM_001321730.2, NM_001321731.2 and 1 more transcripts); c.562A>G, p.Ile188Val (NM_001321734.2); short protein forms I188V, I301V.
Identifiers: ClinVar variation 1377235 (VCV001377235.6), dbSNP rs1325855216, ClinGen allele CA347431310.